The following is an entry in ClinVar:

ClinVar aggregate classification (germline): Uncertain significance. Review status: criteria provided, multiple submitters, no conflicts (2 of 4 stars). 2 submissions from 2 submitters: Uncertain significance (2). Last evaluated 2025-11-06.

Conditions:
Inborn genetic diseases. Identifiers: MedGen C0950123, MeSH D030342.

Allele frequency attached by ClinVar (database versions not stated): ExAC 0.00001; gnomAD 0.00001; gnomAD exomes 0.00001; TOPMed 0.00001; ESP Exome Variant Server 0.00008.
gnomAD v4.1: 17 of 1,612,490 alleles (0.0011%); highest among the groups gnomAD compares: East Asian, 0.0022%; no homozygotes.

Submissions (2):

Ambry Genetics
Classification: Uncertain significance for Inborn genetic diseases. Last evaluated: 2025-11-06. Review status: criteria provided, single submitter. Criteria: Ambry Variant Classification Scheme 2023. Collection method: clinical testing. Allele origin: germline.

Labcorp Genetics (formerly Invitae), Labcorp
Classification: Uncertain significance. Last evaluated: 2024-02-05. Review status: criteria provided, single submitter. Criteria: Invitae Variant Classification Sherloc (09022015). Collection method: clinical testing. Allele origin: germline.
Comment: This sequence change replaces alanine, which is neutral and non-polar, with threonine, which is neutral and polar, at codon 248 of the SEPT9 protein (p.Ala248Thr). This variant is present in population databases (rs374243883, gnomAD 0.003%). This variant has not been reported in the literature in individuals affected with SEPT9-related conditions. ClinVar contains an entry for this variant (Variation ID: 2479110). Advanced modeling of protein sequence and biophysical properties (such as structural, functional, and spatial information, amino acid conservation, physicochemical variation, residue mobility, and thermodynamic stability) performed at Invitae indicates that this missense variant is not expected to disrupt SEPT9 protein function with a negative predictive value of 80%. In summary, the available evidence is currently insufficient to determine the role of this variant in disease. Therefore, it has been classified as a Variant of Uncertain Significance.

NM_001113491.2(SEPTIN9):c.796G>A (p.Ala266Thr)

Gene: SEPTIN9 (septin 9; plus strand). Cytogenetic location: 17q25.3.
Variant type: single nucleotide variant.
Coding change: c.796G>A on transcript NM_001113491.2 (MANE Select); coding-DNA position 796, G replaced by A.
Protein change: p.Ala266Thr; replaces alanine 266 with threonine.
Molecular consequence: missense variant.
Genome position (GRCh38, 1-based): chr17:77,482,218, G>A. VCF-style: chr17-77482218-G-A. GRCh37 (hg19) VCF-style: chr17-75478300-G-A.
Other names: c.304G>A, p.Ala102Thr (NM_001113492.2, NM_001113494.1); c.775G>A, p.Ala259Thr (NM_001113493.2); c.43G>A, p.Ala15Thr (NM_001113495.2, NM_001113496.2, NM_001293697.2 and 1 more transcripts); c.739G>A, p.Ala247Thr (NM_001293695.2); c.124G>A, p.Ala42Thr (NM_001293696.2); c.742G>A, p.Ala248Thr (NM_006640.5); short protein forms A259T, A248T, A266T, A102T, A15T, A247T, A42T.
Identifiers: ClinVar variation 2479110 (VCV002479110.6), dbSNP rs374243883, ClinGen allele CA8793527.
Genomic context (GRCh38, chr17:77,482,218, plus strand): 5'-CCCAGCTGCGTTGGCGACATGGCCGACACCCCCAGAGATGCCGGGCTCAAGCAGGCGCCT[G>A]CATCACGGAACGAGAAGGCCCCGGTGGACTTCGGCTACGTGGGGATTGACTCCATCCTGG-3'
Protein context (NP_001106963.1, residues 256-276): PRDAGLKQAP[Ala266Thr]SRNEKAPVDF